The following is an entry in ClinVar:

NM_002471.4(MYH6):c.633T>A (p.Asn211Lys)

Genes: MYH6 (myosin heavy chain 6; minus strand), LOC114827851 (VISTA enhancer hs2155; plus strand). Cytogenetic location: 14q11.2.
Variant type: single nucleotide variant.
Coding change: c.633T>A on transcript NM_002471.4 (MANE Select); coding-DNA position 633, T replaced by A.
Protein change: p.Asn211Lys; replaces asparagine 211 with lysine.
Molecular consequence: missense variant.
Genome position (GRCh38, 1-based): chr14:23,404,720, A>T on the plus strand (T>A on the coding strand, the complement: MYH6 is on the minus strand). VCF-style: chr14-23404720-A-T. GRCh37 (hg19) VCF-style: chr14-23873929-A-T.
Other names: short protein forms N211K.
Identifiers: ClinVar variation 264090 (VCV000264090.5), dbSNP rs886039039, ClinGen allele CA10587763.

ClinVar aggregate classification (germline): Uncertain significance (1 of 4 stars; one submission).

Conditions:
Cardiovascular phenotype. Identifiers: MedGen CN230736.

Allele frequency attached by ClinVar (database versions not stated): gnomAD exomes below 0.00001; TOPMed below 0.00001.
gnomAD v4.1: 3 of 1,613,976 alleles (0.00019%); highest among the groups gnomAD compares: East Asian, 0.0067%; no homozygotes.

Submission:

Ambry Genetics
Classification: Uncertain significance for Cardiovascular phenotype. Last evaluated: 2015-06-04. Review status: criteria provided, single submitter. Criteria: Ambry Variant Classification Scheme 2023. Collection method: clinical testing. Allele origin: germline.
Comment: The p.N211K variant (also known as c.633T>A), located in coding exon 5 of the MYH6 gene, results from a T to A substitution at nucleotide position 633. The asparagine at codon 211 is replaced by lysine, an amino acid with some similar properties. This variant was not reported in population based cohorts in the following databases: Database of Single Nucleotide Polymorphisms (dbSNP), NHLBI Exome Sequencing Project (ESP), and 1000 Genomes Project. In the ESP, this variant was not observed in 6503 samples (13006 alleles) with coverage at this position. This amino acid position is well conserved in mammals but not in all available vertebrate species. In addition, this alteration is predicted to be tolerated by in silico analysis.Since supporting evidence is limited at this time, the clinical significance of p.N211K remains unclear.